The following is an entry in ClinVar:

NM_024596.5(MCPH1):c.2274C>T (p.Asp758=)

Genes: MCPH1 (microcephalin 1; plus strand), MCPH1-AS1 (MCPH1 antisense RNA 1; minus strand). Cytogenetic location: 8p23.1.
Variant type: single nucleotide variant.
Coding change: c.2274C>T on transcript NM_024596.5 (MANE Select); coding-DNA position 2274, C replaced by T.
Protein change: p.Asp758=; no amino-acid change (aspartic acid 758 retained).
Molecular consequence: synonymous variant. On other transcripts: non-coding transcript variant (1).
Genome position (GRCh38, 1-based): chr8:6,621,513, C>T. VCF-style: chr8-6621513-C-T. GRCh37 (hg19) VCF-style: chr8-6479034-C-T.
Other names: c.2274C>T, p.Asp758= (NM_001322042.2, NM_001363979.1); c.1995C>T, p.Asp665= (NM_001363980.2).
Identifiers: ClinVar variation 211447 (VCV000211447.15), dbSNP rs186136373, ClinGen allele CA208145.

ClinVar aggregate classification (germline): Conflicting classifications of pathogenicity. Review status: criteria provided, conflicting classifications (1 of 4 stars). 4 submissions from 4 submitters: Uncertain significance (1); Benign (1); Likely benign (2). Last evaluated 2026-01-28.

Allele frequency attached by ClinVar (database versions not stated): gnomAD 0.00010 and 0.00011; gnomAD exomes 0.00011 and 0.00049; TOPMed 0.00017; 1000 Genomes Project 30x 0.00031; 1000 Genomes Project 0.00040; ExAC 0.00055.
gnomAD v4.1: 177 of 1,614,196 alleles (0.011%); highest among the groups gnomAD compares: Admixed American, 0.19%; 1 homozygote.

Submissions (4):

Labcorp Genetics (formerly Invitae), Labcorp
Classification: Benign. Last evaluated: 2026-01-28. Review status: criteria provided, single submitter. Criteria: Invitae Variant Classification Sherloc (09022015). Collection method: clinical testing. Allele origin: germline.

Blueprint Genetics
Classification: Likely benign. Last evaluated: 2023-08-11. Review status: criteria provided, single submitter. Criteria: ACMG Guidelines, 2015. Collection method: clinical testing. Allele origin: germline.

GeneDx
Classification: Likely benign. Last evaluated: 2016-03-22. Review status: criteria provided, single submitter. Criteria: GeneDx Variant Classification (06012015). Collection method: clinical testing. Allele origin: germline. Affected: yes.
Comment: This variant is considered likely benign or benign based on one or more of the following criteria: it is a conservative change, it occurs at a poorly conserved position in the protein, it is predicted to be benign by multiple in silico algorithms, and/or has population frequency not consistent with disease.

Genetic Services Laboratory, University of Chicago
Classification: Uncertain significance. Last evaluated: 2015-07-23. Review status: criteria provided, single submitter. Criteria: ACMG Guidelines, 2015. Collection method: clinical testing. Allele origin: germline.